The following is an entry in ClinVar:

NM_002878.4(RAD51D):c.850G>A (p.Ala284Thr)

Genes: RAD51L3-RFFL (RAD51L3-RFFL readthrough; minus strand), RAD51D (RAD51 paralog D; minus strand). Cytogenetic location: 17q12.
Variant type: single nucleotide variant.
Coding change: c.850G>A on transcript NM_002878.4 (MANE Select); coding-DNA position 850, G replaced by A.
Protein change: p.Ala284Thr; replaces alanine 284 with threonine.
Molecular consequence: missense variant. On other transcripts: non-coding transcript variant (3).
Genome position (GRCh38, 1-based): chr17:35,101,254, C>T on the plus strand (G>A on the coding strand, the complement: RAD51D is on the minus strand). VCF-style: chr17-35101254-C-T. GRCh37 (hg19) VCF-style: chr17-33428273-C-T.
Other names: c.910G>A, p.Ala304Thr (NM_001142571.2); c.514G>A, p.Ala172Thr (NM_133629.3); short protein forms A284T, A304T, A172T.
Identifiers: ClinVar variation 492452 (VCV000492452.6), dbSNP rs1555567101, ClinGen allele CA399086550.

ClinVar aggregate classification (germline): Uncertain significance (1 of 4 stars; one submission).

Conditions:
Hereditary cancer-predisposing syndrome. Also called: Hereditary neoplastic syndrome; Tumor predisposition; Hereditary Cancer Syndrome; Neoplastic Syndromes, Hereditary. Identifiers: Orphanet 140162, MedGen C0027672, MeSH D009386, MONDO:0015356.

Submission:

Color Diagnostics, LLC DBA Color Health
Classification: Uncertain significance for Hereditary cancer-predisposing syndrome. Last evaluated: 2023-12-05. Review status: criteria provided, single submitter. Criteria: ACMG Guidelines, 2015. Collection method: clinical testing. Allele origin: germline.
Comment: This missense variant replaces alanine with threonine at codon 284 of the RAD51D protein. Computational prediction suggests that this variant may not impact protein structure and function (internally defined REVEL score threshold <= 0.5, PMID: 27666373). To our knowledge, functional studies have not been reported for this variant. This variant has not been reported in individuals affected with RAD51D-related disorders in the literature. This variant has not been identified in the general population by the Genome Aggregation Database (gnomAD). The available evidence is insufficient to determine the role of this variant in disease conclusively. Therefore, this variant is classified as a Variant of Uncertain Significance.